The following is an entry in ClinVar:

ClinVar aggregate classification (germline): Pathogenic. Review status: criteria provided, multiple submitters, no conflicts (2 of 4 stars). 5 submissions from 5 submitters: Pathogenic (3). 2 of the submissions do not count toward it. Last evaluated 2025-11-10.

Conditions:
Deficiency of alpha-mannosidase (MANSA). Also called: LYSOSOMAL ALPHA-D-MANNOSIDASE DEFICIENCY; Mannosidosis, alpha-, types I and II; Alpha-Mannosidosis. Identifiers: Orphanet 61, MedGen C0024748, MONDO:0009561, OMIM 248500.

Allele frequency attached by ClinVar (database versions not stated): TOPMed below 0.00001; gnomAD 0.00001.
gnomAD v4.1: 1 of 1,611,322 alleles (0.000062%); highest among the groups gnomAD compares: Non-Finnish European, 0.000085%; no homozygotes.

Submissions (5):

Natera, Inc.
Classification: Pathogenic for Alpha-mannosidosis. Last evaluated: 2025-11-10. Review status: criteria provided, single submitter. Criteria: Natera Variant Classification Schema (03/2026). Collection method: clinical testing. Allele origin: germline.
Comment: The c.1831-2A>G variant in MAN2B1 is a canonical splice acceptor site variant predicted to affect pre-mRNA splicing, which may result in an abnormal transcript and altered protein product. This variant is expected to result in nonsense mediated decay, truncation, or a dysfunctional protein product. This variant is rare in the general population with a frequency below the threshold expected for the associated phenotype(s). This variant has been observed in one or more individuals affected with the associated recessive disease, as either homozygous or compound heterozygous with a second variant (PMID: 9915946). Additionally, this variant has been observed to segregate in affected family members (PMID: 9915946). Given the available evidence, this variant is classified as Pathogenic.

Labcorp Genetics (formerly Invitae), Labcorp
Classification: Pathogenic for Deficiency of alpha-mannosidase. Last evaluated: 2022-03-31. Review status: criteria provided, single submitter. Criteria: Invitae Variant Classification Sherloc (09022015). Collection method: clinical testing. Allele origin: germline.
Comment: For these reasons, this variant has been classified as Pathogenic. Studies have shown that disruption of this splice site results in skipping part of exon 15 and introduces a premature termination codon (PMID: 9915946). The resulting mRNA is expected to undergo nonsense-mediated decay. ClinVar contains an entry for this variant (Variation ID: 21208). This variant is also known as IVS14-2A>G. Disruption of this splice site has been observed in individual(s) with mannosidosis (PMID: 9915946). It has also been observed to segregate with disease in related individuals. This variant is not present in population databases (gnomAD no frequency). This sequence change affects an acceptor splice site in intron 14 of the MAN2B1 gene. RNA analysis indicates that disruption of this splice site induces altered splicing and may result in an absent or disrupted protein product.

Genome-Nilou Lab
Classification: Pathogenic for Deficiency of alpha-mannosidase. Last evaluated: 2021-09-05. Review status: criteria provided, single submitter. Criteria: ACMG Guidelines, 2015. Collection method: clinical testing. Allele origin: germline. Affected: no.

Counsyl
Classification: Pathogenic for Deficiency of alpha-mannosidase. Last evaluated: 2016-09-22. Review status: no assertion criteria provided. Collection method: clinical testing. Allele origin: unknown. Not counted in ClinVar's aggregate classification.

GeneReviews
No classification provided. Condition: Deficiency of alpha-mannosidase. Review status: no classification provided. Collection method: literature only. Allele origin: unknown. Not counted in ClinVar's aggregate classification.

Literature cited by the submitters: PubMed 9915946 (cited by 4 submitters); PubMed 20301570 (cited by GeneReviews); NCBI Bookshelf NBK1396 (cited by GeneReviews).

NM_000528.4(MAN2B1):c.1831-2A>G

Gene: MAN2B1 (mannosidase alpha class 2B member 1; minus strand). Cytogenetic location: 19p13.13.
Variant type: single nucleotide variant.
Coding change: c.1831-2A>G on transcript NM_000528.4 (MANE Select); the canonical splice acceptor site of the intron before coding-DNA position 1831, A replaced by G.
Molecular consequence: splice acceptor variant.
Genome position (GRCh38, 1-based): chr19:12,652,462, T>C on the plus strand (A>G on the coding strand, the complement: MAN2B1 is on the minus strand). VCF-style: chr19-12652462-T-C. GRCh37 (hg19) VCF-style: chr19-12763276-T-C.
Other names: c.1828-2A>G (NM_001173498.2).
Identifiers: ClinVar variation 21208 (VCV000021208.13), dbSNP rs80338678, ClinGen allele CA341735.